The following is an entry in ClinVar:

ClinVar aggregate classification (germline): Conflicting classifications of pathogenicity. Review status: criteria provided, conflicting classifications (1 of 4 stars). 12 submissions from 12 submitters: Uncertain significance (4); Benign (1); Likely benign (6). 1 of the submissions does not count toward it. Last evaluated 2026-01-17.

Conditions:
Classic or attenuated familial adenomatous polyposis. Identifiers: MedGen CN372698, MONDO:0021057.
APC-related disorder. Also called: APC-related condition.
Hereditary cancer-predisposing syndrome. Also called: Tumor predisposition; Neoplastic Syndromes, Hereditary; Hereditary neoplastic syndrome; Hereditary Cancer Syndrome. Identifiers: Orphanet 140162, MedGen C0027672, MeSH D009386, MONDO:0015356.
Familial adenomatous polyposis 1 (FAP1). Also called: FAMILIAL ADENOMATOUS POLYPOSIS 1, ATTENUATED; POLYPOSIS, ADENOMATOUS INTESTINAL. Identifiers: MedGen C2713442, MONDO:0021056, OMIM 175100. Disease mechanism: loss of function.

Allele frequency attached by ClinVar (database versions not stated): gnomAD exomes 0.00001; ExAC 0.00004; ESP Exome Variant Server 0.00008; gnomAD 0.00019 and 0.00021; TOPMed 0.00023.
gnomAD v4.1: 50 of 1,613,904 alleles (0.0031%); highest among the groups gnomAD compares: African/African-American, 0.065%; no homozygotes.

Submissions (12):

Labcorp Genetics (formerly Invitae), Labcorp
Classification: Benign for Familial adenomatous polyposis 1. Last evaluated: 2026-01-17. Review status: criteria provided, single submitter. Criteria: Invitae Variant Classification Sherloc (09022015). Collection method: clinical testing. Allele origin: germline.

Color Diagnostics, LLC DBA Color Health
Classification: Likely benign for Hereditary cancer-predisposing syndrome. Last evaluated: 2025-11-24. Review status: criteria provided, single submitter. Criteria: ACMG Guidelines, 2015. Collection method: clinical testing. Allele origin: germline.

GeneDx
Classification: Uncertain significance. Last evaluated: 2025-04-07. Review status: criteria provided, single submitter. Criteria: GeneDx Variant Classification Process June 2021. Collection method: clinical testing. Allele origin: germline. Affected: yes.
Comment: In silico analysis supports that this missense variant has a deleterious effect on protein structure/function; This variant is associated with the following publications: (PMID: 28873162, 18199528, 35534704, 27978560, 35957908)

PreventionGenetics, part of Exact Sciences
Classification: Likely benign for APC-related condition. Last evaluated: 2025-03-31. Review status: criteria provided, single submitter. Criteria: ACMG Guidelines, 2015. Collection method: clinical testing. Allele origin: germline.
Comment: This variant is classified as likely benign based on ACMG/AMP sequence variant interpretation guidelines (Richards et al. 2015 PMID: 25741868, with internal and published modifications).

Women's Health and Genetics/Laboratory Corporation of America, LabCorp
Classification: Likely benign. Last evaluated: 2024-08-26. Review status: criteria provided, single submitter. Criteria: LabCorp Variant Classification Summary - May 2015. Collection method: clinical testing. Allele origin: germline.
Comment: Variant summary: APC c.6782C>T (p.Pro2261Leu) results in a non-conservative amino acid change located in the Adenomatous polyposis coli protein basic domain (IPR009234) of the encoded protein sequence. Four of five in-silico tools predict a damaging effect of the variant on protein function. The variant allele was found at a frequency of 3.1e-05 in 1613904 control chromosomes, predominantly at a frequency of 0.00065 within the African or African-American subpopulation in the gnomAD database. The observed variant frequency within African or African-American control individuals in the gnomAD database is approximately 9 fold of the estimated maximal expected allele frequency for a pathogenic variant in APC causing Familial Adenomatous Polyposis phenotype (7.1e-05). The variant was reported in one individual affected with colorectal cancer, and was also found in a cohort of patients with advanced cancer, who were undergoing multi-gene panel testing (examples: Pearlman_2016, Mandelker_2017). However, these reports do not provide unequivocal conclusions about association of the variant with Familial Adenomatous Polyposis. The following publications have been ascertained in the context of this evaluation (PMID: 28873162, 27978560). ClinVar contains an entry for this variant (Variation ID: 141681). Based on the evidence outlined above, the variant was classified as likely benign.

All of Us Research Program, National Institutes of Health
Classification: Uncertain significance for Classic or attenuated familial adenomatous polyposis. Last evaluated: 2024-08-23. Review status: criteria provided, single submitter. Criteria: ACMG Guidelines, 2015. Collection method: clinical testing. Allele origin: germline. Inheritance: Autosomal dominant inheritance. Observed: 8 variant alleles, 8 heterozygotes.
Comment: This missense variant replaces proline with leucine at codon 2261 of the APC protein. Computational prediction is inconclusive regarding the impact of this variant on protein structure and function (internally defined REVEL score threshold 0.5 < inconclusive < 0.7, PMID: 27666373). To our knowledge, functional studies have not been reported for this variant. This variant has been reported in individuals affected with ovarian cancer (PMID: 29684080), unspecified advanced cancer (PMID: 28873162), breast cancer (PMID: 35534704), and mismatch repair proficient colorectal cancer (PMID: 27978560). This variant has been identified in 17/282452 chromosomes in the general population by the Genome Aggregation Database (gnomAD). The available evidence is insufficient to determine the role of this variant in disease conclusively. Therefore, this variant is classified as a Variant of Uncertain Significance.

This study involves interpretation of variants in research participants for the purpose of population health screening. Participant phenotype was not available at the time of variant classification. Additional details can be found in publication PMID: 35346344, PMCID: PMC8962531

Quest Diagnostics Nichols Institute San Juan Capistrano
Classification: Likely benign. Last evaluated: 2023-03-10. Review status: criteria provided, single submitter. Criteria: Quest Diagnostics criteria. Collection method: clinical testing. Allele origin: unknown.

Myriad Genetics, Inc.
Classification: Likely benign for Familial adenomatous polyposis 1. Last evaluated: 2023-02-17. Review status: criteria provided, single submitter. Criteria: Myriad Autosomal Dominant, Autosomal Recessive and X-Linked Classification Criteria (2023). Collection method: clinical testing. Allele origin: unknown.
Comment: This variant is considered likely benign. This variant has been observed at a population frequency that is significantly greater than expected given the associated disease prevalence and penetrance.

Sema4
Classification: Uncertain significance for Hereditary cancer-predisposing syndrome. Last evaluated: 2021-04-19. Review status: criteria provided, single submitter. Criteria: Sema4 Curation Guidelines. Collection method: curation. Allele origin: germline.
Comment: The APC c.6782C>T (p.P2261L) variant has been reported in an individual with early onset colorectal cancer (PMID: 27978560) and in an individual with an unspecified advanced cancer (PMID: 28873162). It was observed in 17/24948 control chromosomes of the African/African American subpopulation, with no homozygotes, in the large and broad cohorts of the Genome Aggregation Database (PMID: 32461654). The variant has been reported in ClinVar (Variation ID 141681). In silico tools suggest the impact of the variant on protein function is inconclusive, though these predictions have not been confirmed by functional studies. There is no indication that this variant causes disease, but the evidence is insufficient currently to prove that conclusively. Thus, the clinical significance of this variant is currently uncertain.

Ambry Genetics
Classification: Likely benign for Hereditary cancer-predisposing syndrome. Last evaluated: 2020-01-07. Review status: criteria provided, single submitter. Criteria: Ambry Variant Classification Scheme 2023. Collection method: clinical testing. Allele origin: germline.

Mendelics
Classification: Uncertain significance for Familial adenomatous polyposis 1. Last evaluated: 2018-07-02. Review status: criteria provided, single submitter. Criteria: Mendelics Assertion Criteria 2017. Collection method: clinical testing. Allele origin: unknown.

Counsyl
Classification: Uncertain significance for Familial adenomatous polyposis 1. Last evaluated: 2015-12-01. Review status: no assertion criteria provided. Collection method: clinical testing. Allele origin: unknown. Not counted in ClinVar's aggregate classification.

Literature cited by the submitters: PubMed 27978560 (cited by 5 submitters); PubMed 28873162 (cited by 4 submitters); PubMed 29684080 (cited by All of Us Research Program, National Institutes of Health); PubMed 35534704 (cited by All of Us Research Program, National Institutes of Health).

NM_000038.6(APC):c.6782C>T (p.Pro2261Leu)

Gene: APC (APC regulator of Wnt signaling pathway; plus strand). Cytogenetic location: 5q22.2.
Variant type: single nucleotide variant.
Coding change: c.6782C>T on transcript NM_000038.6 (MANE Select); coding-DNA position 6782, C replaced by T.
Protein change: p.Pro2261Leu; replaces proline 2261 with leucine.
Molecular consequence: missense variant.
Genome position (GRCh38, 1-based): chr5:112,842,376, C>T. VCF-style: chr5-112842376-C-T. GRCh37 (hg19) VCF-style: chr5-112178073-C-T.
Other names: c.6782C>T, p.Pro2261Leu (NM_001127510.3, NM_001354895.2); c.6728C>T, p.Pro2243Leu (NM_001127511.3); c.6836C>T, p.Pro2279Leu (NM_001354896.2); c.6812C>T, p.Pro2271Leu (NM_001354897.2); c.6707C>T, p.Pro2236Leu (NM_001354898.2); c.6698C>T, p.Pro2233Leu (NM_001354899.2); c.6659C>T, p.Pro2220Leu (NM_001354900.2); c.6605C>T, p.Pro2202Leu (NM_001354901.2); and 5 more; short protein forms P2243L, P2261L, P2170L, P2202L, P2279L, P2101L, P2160L, P2220L.
Identifiers: ClinVar variation 141681 (VCV000141681.36), dbSNP rs376494248, ClinGen allele CA012518.